The following is an entry in ClinVar:

NM_001081.4(CUBN):c.9454+1G>A

Gene: CUBN (cubilin; minus strand). Cytogenetic location: 10p13.
Variant type: single nucleotide variant.
Coding change: c.9454+1G>A on transcript NM_001081.4 (MANE Select); the canonical splice donor site of the intron after coding-DNA position 9454, G replaced by A.
Molecular consequence: splice donor variant.
Genome position (GRCh38, 1-based): chr10:16,869,635, C>T on the plus strand (G>A on the coding strand, the complement: CUBN is on the minus strand). VCF-style: chr10-16869635-C-T. GRCh37 (hg19) VCF-style: chr10-16911634-C-T.
Identifiers: ClinVar variation 3591826 (VCV003591826.3).
Genomic context (GRCh38, chr10:16,869,635, plus strand): 5'-ATTAAATAAAGCAGAAAGGTAACAGTCCTGACAAATAGATTTACAAGTCCAGAATTCTTA[C>T]CCAATGTCTGCCGGAAAGACATCTTCCAGCCTTTTGCTGTCTGAAATGAATCTGTCTTGA-3'

ClinVar aggregate classification (germline): Likely pathogenic. Review status: criteria provided, multiple submitters, no conflicts (2 of 4 stars). 2 submissions from 2 submitters: Likely pathogenic (2). Last evaluated 2024-11-27.

Conditions:
Imerslund-Grasbeck syndrome. Also called: ENTEROCYTE COBALAMIN MALABSORPTION; ENTEROCYTE INTRINSIC FACTOR RECEPTOR, DEFECT OF; PERNICIOUS ANEMIA, JUVENILE, DUE TO SELECTIVE INTESTINAL MALABSORPTION OF VITAMIN B12, WITH PROTEINURIA; Megaloblastic anemia due to inborn errors of metabolism; Imerslund-Gräsbeck syndrome. Identifiers: Orphanet 35858, MedGen C4551825, MONDO:0009853.
Imerslund-Grasbeck syndrome type 1 (IGS1). Also called: MEGALOBLASTIC ANEMIA, 1; Megaloblastic anemia 1, Finnish type; Imerslund-Gräsbeck syndrome 1. Identifiers: MedGen C4016819, MONDO:0100156, OMIM 261100.
Proteinuria, chronic benign. Identifiers: MedGen C5394384, MONDO:0030042, OMIM 618884.

gnomAD v4.1: 4 of 1,608,260 alleles (0.00025%); highest among the groups gnomAD compares: Non-Finnish European, 0.00034%; no homozygotes.

Submissions (2):

Labcorp Genetics (formerly Invitae), Labcorp
Classification: Likely pathogenic for Imerslund-Grasbeck syndrome. Last evaluated: 2024-11-27. Review status: criteria provided, single submitter. Criteria: Invitae Variant Classification Sherloc (09022015). Collection method: clinical testing. Allele origin: germline.
Comment: This sequence change affects a donor splice site in intron 59 of the CUBN gene. It is expected to disrupt RNA splicing. Variants that disrupt the donor or acceptor splice site typically lead to a loss of protein function (PMID: 16199547), and loss-of-function variants in CUBN are known to be pathogenic (PMID: 15024727, 22929189, 25349199, 31613795, 34979989). This variant is not present in population databases (gnomAD no frequency). This variant has not been reported in the literature in individuals affected with CUBN-related conditions. Algorithms developed to predict the effect of sequence changes on RNA splicing suggest that this variant may disrupt the consensus splice site. In summary, the currently available evidence indicates that the variant is pathogenic, but additional data are needed to prove that conclusively. Therefore, this variant has been classified as Likely Pathogenic.

Fulgent Genetics
Classification: Likely pathogenic for Imerslund-Grasbeck syndrome type 1; Proteinuria, chronic benign. Last evaluated: 2024-04-29. Review status: criteria provided, single submitter. Criteria: ACMG Guidelines, 2015. Collection method: clinical testing. Allele origin: germline.

Literature cited by the submitters: PubMed 16199547 (cited by Labcorp Genetics (formerly Invitae), Labcorp); PubMed 15024727 (cited by Labcorp Genetics (formerly Invitae), Labcorp); PubMed 22929189 (cited by Labcorp Genetics (formerly Invitae), Labcorp); PubMed 25349199 (cited by Labcorp Genetics (formerly Invitae), Labcorp); PubMed 31613795 (cited by Labcorp Genetics (formerly Invitae), Labcorp); PubMed 34979989 (cited by Labcorp Genetics (formerly Invitae), Labcorp).